The following is an entry in ClinVar:

ClinVar aggregate classification (germline): Uncertain significance (1 of 4 stars; one submission).

Submission:

Department of Medical Genetics, Ordu University Medical School Training and Research Hospital
Classification: Uncertain significance. Last evaluated: 2026-07-28. Review status: criteria provided, single submitter. Criteria: ACMG Guidelines, 2015. Collection method: clinical testing. Allele origin: paternal. Observed: 1 variant allele, 1 heterozygote.
Comment: Absent from gnomAD v4 (PM2). No previous ClinVar record for this variant was identified at the time of classification. PIEZO2-related distal arthrogryposis is caused by gain-of-function missense variants at specific residues, which cannot be inferred here, and no functional, segregation or phenotypic evidence was available. Classified as uncertain significance.

NM_001378183.1(PIEZO2):c.6458A>T (p.Asp2153Val)

Gene: PIEZO2 (piezo type mechanosensitive ion channel component 2; minus strand). Cytogenetic location: 18p11.22.
Variant type: single nucleotide variant.
Coding change: c.6458A>T on transcript NM_001378183.1 (MANE Select); coding-DNA position 6458, A replaced by T.
Protein change: p.Asp2153Val; replaces aspartic acid 2153 with valine.
Molecular consequence: missense variant.
Genome position (GRCh38, 1-based): chr18:10,699,161, T>A on the plus strand (A>T on the coding strand, the complement: PIEZO2 is on the minus strand). VCF-style: chr18-10699161-T-A. GRCh37 (hg19) VCF-style: chr18-10699159-T-A.
Other names: c.6194A>T, p.Asp2065Val (NM_001410871.1); c.6119A>T, p.Asp2040Val (NM_022068.4); short protein forms D2040V, D2065V, D2153V.
Identifiers: ClinVar variation 4880496 (VCV004880496.1).